The following is an entry in ClinVar:

ClinVar aggregate classification (germline): Uncertain significance (1 of 4 stars; one submission).

Submission:

Labcorp Genetics (formerly Invitae), Labcorp
Classification: Uncertain significance. Last evaluated: 2022-09-03. Review status: criteria provided, single submitter. Criteria: Invitae Variant Classification Sherloc (09022015). Collection method: clinical testing. Allele origin: germline.
Comment: This sequence change affects codon 355 of the IL23R mRNA. It is a 'silent' change, meaning that it does not change the encoded amino acid sequence of the IL23R protein. In summary, the available evidence is currently insufficient to determine the role of this variant in disease. Therefore, it has been classified as a Variant of Uncertain Significance. Algorithms developed to predict the effect of sequence changes on RNA splicing suggest that this variant may disrupt the consensus splice site. This variant has not been reported in the literature in individuals affected with IL23R-related conditions. This variant is not present in population databases (gnomAD no frequency).

NM_144701.3(IL23R):c.1065A>G (p.Gly355=)

Gene: IL23R (interleukin 23 receptor; plus strand). Cytogenetic location: 1p31.3.
Variant type: single nucleotide variant.
Coding change: c.1065A>G on transcript NM_144701.3 (MANE Select); coding-DNA position 1065, A replaced by G.
Protein change: p.Gly355=; no amino-acid change (glycine 355 retained).
Molecular consequence: synonymous variant.
Genome position (GRCh38, 1-based): chr1:67,240,198, A>G. VCF-style: chr1-67240198-A-G. GRCh37 (hg19) VCF-style: chr1-67705881-A-G.
Identifiers: ClinVar variation 2028890 (VCV002028890.4), dbSNP rs2525488786, ClinGen allele CA418268982.